The following is an entry in ClinVar:

NM_001242896.3(DEPDC5):c.1666+214A>C

Gene: DEPDC5 (DEP domain containing 5, GATOR1 subcomplex subunit; plus strand). Cytogenetic location: 22q12.3.
Variant type: single nucleotide variant.
Coding change: c.1666+214A>C on transcript NM_001242896.3 (MANE Select); 214 bases into the intron after coding-DNA position 1666, A replaced by C.
Molecular consequence: intron variant. On other transcripts: synonymous variant (1).
Genome position (GRCh38, 1-based): chr22:31,815,426, A>C. VCF-style: chr22-31815426-A-C. GRCh37 (hg19) VCF-style: chr22-32211412-A-C.
Other names: c.1677A>C, p.Gly559= (NM_001007188.4); c.1666+214A>C (NM_001364318.2, NM_001136029.4, NM_014662.6 and 6 more transcripts); c.1582+214A>C (NM_001369902.1, NM_001369901.1).
Identifiers: ClinVar variation 1233302 (VCV001233302.9), dbSNP rs5749334, ClinGen allele CA10196433.
Genomic context (GRCh38, chr22:31,815,426, plus strand): 5'-CTATGTATATATTATACTTCTTTTTTTTTTTTTTTTTTTTTTGGTGACAGAGCACCTAGG[A>C]TAAAGTGCAGTGATGCAATCACAGCTCACCTCAGTGCGGCCTTGAACTCCTGGACTCAAT-3'

ClinVar aggregate classification (germline): Benign. Review status: criteria provided, multiple submitters, no conflicts (2 of 4 stars). 5 submissions from 5 submitters: Benign (5). Last evaluated 2024-11-28.

Conditions:
Epilepsy, familial focal, with variable foci 1 (FFEVF1). Also called: DEPDC5-Related Epilepsy. Identifiers: MedGen C4551983, MONDO:0024556, OMIM 604364.

Allele frequency attached by ClinVar (database versions not stated): ExAC 0.57359; gnomAD exomes 0.58574; ESP Exome Variant Server 0.61768; gnomAD 0.62546 and 0.62803; TOPMed 0.63343; 1000 Genomes Project 0.66593; 1000 Genomes Project 30x 0.67067.
gnomAD v4.1: 385,063 of 672,068 alleles (57%); highest among the groups gnomAD compares: African/African-American, 78%; 113,583 homozygotes.

Submissions (5):

Blueprint Genetics
Classification: Benign. Last evaluated: 2024-11-28. Review status: criteria provided, single submitter. Criteria: ACMG Guidelines, 2015. Collection method: clinical testing. Allele origin: germline.

Unidad de Genómica Garrahan, Hospital de Pediatría Garrahan
Classification: Benign. Last evaluated: 2024-07-31. Review status: criteria provided, single submitter. Criteria: ACMG Guidelines, 2015. Collection method: clinical testing. Allele origin: germline. Affected: no. Observed: 85 variant alleles.
Comment: This variant is classified as Benign based on local population frequency. This variant was detected in 91% of patients studied in a panel designed for Epileptic and Developmental Encephalopathy, Progressive Myoclonus Epilepsy and Abnormal Movements and Neurodegeneration with brain iron accumulation. Number of patients: 85. Only high quality variants are reported.

Genome-Nilou Lab
Classification: Benign for Epilepsy, familial focal, with variable foci 1. Last evaluated: 2021-07-30. Review status: criteria provided, single submitter. Criteria: ACMG Guidelines, 2015. Collection method: clinical testing. Allele origin: germline. Affected: no.

GeneDx
Classification: Benign. Last evaluated: 2018-07-15. Review status: criteria provided, single submitter. Criteria: GeneDx Variant Classification Process June 2021. Collection method: clinical testing. Allele origin: germline. Affected: yes.

Breakthrough Genomics
Classification: Benign. Review status: criteria provided, single submitter. Criteria: ACMG Guidelines, 2015. Collection method: not provided. Allele origin: germline. Inheritance: Autosomal dominant inheritance. Affected: yes.